The following is an entry in ClinVar:

ClinVar aggregate classification (germline): Uncertain significance (1 of 4 stars; one submission).

Allele frequency attached by ClinVar (database versions not stated): 1000 Genomes Project 30x 0.00031.
gnomAD v4.1: 54 of 1,613,920 alleles (0.0033%); highest among the groups gnomAD compares: Non-Finnish European, 0.0041%; no homozygotes.

Submission:

Labcorp Genetics (formerly Invitae), Labcorp
Classification: Uncertain significance. Last evaluated: 2025-03-20. Review status: criteria provided, single submitter. Criteria: Invitae Variant Classification Sherloc (09022015). Collection method: clinical testing. Allele origin: germline.
Comment: This sequence change replaces aspartic acid, which is acidic and polar, with asparagine, which is neutral and polar, at codon 355 of the VCAN protein (p.Asp355Asn). This variant is present in population databases (rs143128206, gnomAD 0.01%). This variant has not been reported in the literature in individuals affected with VCAN-related conditions. ClinVar contains an entry for this variant (Variation ID: 1408092). An algorithm developed to predict the effect of missense changes on protein structure and function (PolyPhen-2) suggests that this variant is likely to be tolerated. In summary, the available evidence is currently insufficient to determine the role of this variant in disease. Therefore, it has been classified as a Variant of Uncertain Significance.

NM_004385.5(VCAN):c.1063G>A (p.Asp355Asn)

Gene: VCAN (versican; plus strand). Cytogenetic location: 5q14.3.
Variant type: single nucleotide variant.
Coding change: c.1063G>A on transcript NM_004385.5 (MANE Select); coding-DNA position 1063, G replaced by A.
Protein change: p.Asp355Asn; replaces aspartic acid 355 with asparagine.
Molecular consequence: missense variant. On other transcripts: intron variant (2).
Genome position (GRCh38, 1-based): chr5:83,519,369, G>A. VCF-style: chr5-83519369-G-A. GRCh37 (hg19) VCF-style: chr5-82815188-G-A.
Other names: c.1063G>A, p.Asp355Asn (NM_001164098.2); c.1042+6973G>A (NM_001164097.2, NM_001126336.3); short protein forms D355N.
Identifiers: ClinVar variation 1408092 (VCV001408092.6), dbSNP rs143128206, ClinGen allele CA3332606.